The following is an entry in ClinVar:

ClinVar aggregate classification (germline): Pathogenic (1 of 4 stars; one submission).

Submission:

Labcorp Genetics (formerly Invitae), Labcorp
Classification: Pathogenic. Last evaluated: 2023-10-17. Review status: criteria provided, single submitter. Criteria: Invitae Variant Classification Sherloc (09022015). Collection method: clinical testing. Allele origin: germline.
Comment: This sequence change creates a premature translational stop signal (p.Tyr530Leufs*6) in the NBAS gene. It is expected to result in an absent or disrupted protein product. Loss-of-function variants in NBAS are known to be pathogenic (PMID: 26073778, 26541327, 27789416, 28031453). This variant is present in population databases (rs752264287, gnomAD 0.0009%). This variant has not been reported in the literature in individuals affected with NBAS-related conditions. For these reasons, this variant has been classified as Pathogenic.

Literature cited by the submitters: PubMed 26073778; PubMed 26541327; PubMed 27789416; PubMed 28031453.

NM_015909.4(NBAS):c.1588dup (p.Tyr530fs)

Gene: NBAS (NBAS subunit of NRZ tethering complex; minus strand). Cytogenetic location: 2p24.3.
Variant type: Duplication.
Coding change: c.1588dup on transcript NM_015909.4 (MANE Select); coding-DNA position 1588, one base duplicated (T; older notation c.1588dupT).
Protein change: p.Tyr530fs; shifts the reading frame from tyrosine 530.
Molecular consequence: frameshift variant. On other transcripts: non-coding transcript variant (1).
Genome position (GRCh38, 1-based): chr2:15,474,078, A duplicated on the plus strand (T on the coding strand, the reverse complement: NBAS is on the minus strand); the first of 3 consecutive A bases (chr2:15,474,078-15,474,080); duplicating any one gives the same sequence. VCF-style (leftmost placement, unchanged base first): chr2-15474077-T-TA. GRCh37 (hg19) VCF-style: chr2-15614201-T-TA.
Other names: short protein forms Y530fs.
Identifiers: ClinVar variation 2998805 (VCV002998805.3), dbSNP rs752264287, ClinGen allele CA1536638.